The following is an entry in ClinVar:

ClinVar aggregate classification (germline): Uncertain significance. Review status: criteria provided, multiple submitters, no conflicts (2 of 4 stars). 2 submissions from 2 submitters: Uncertain significance (2). Last evaluated 2022-07-09.

Conditions:
Autosomal recessive polycystic kidney disease (ARPKD). Also called: AR polycystic kidney disease. Identifiers: Orphanet 731, Orphanet 8378, MedGen C0085548, MeSH D017044, MONDO:0009889.

Allele frequency attached by ClinVar (database versions not stated): ExAC 0.00001; gnomAD 0.00001; gnomAD exomes 0.00001; TOPMed 0.00002; ESP Exome Variant Server 0.00015.
gnomAD v4.1: 10 of 1,612,818 alleles (0.00062%); highest among the groups gnomAD compares: Non-Finnish European, 0.00085%; no homozygotes.

Submissions (2):

Labcorp Genetics (formerly Invitae), Labcorp
Classification: Uncertain significance for Autosomal recessive polycystic kidney disease. Last evaluated: 2022-07-09. Review status: criteria provided, single submitter. Criteria: Invitae Variant Classification Sherloc (09022015). Collection method: clinical testing. Allele origin: germline.
Comment: This sequence change replaces threonine, which is neutral and polar, with alanine, which is neutral and non-polar, at codon 930 of the PKHD1 protein (p.Thr930Ala). This variant is present in population databases (rs144387673, gnomAD 0.002%). This variant has not been reported in the literature in individuals affected with PKHD1-related conditions. ClinVar contains an entry for this variant (Variation ID: 498399). Advanced modeling of protein sequence and biophysical properties (such as structural, functional, and spatial information, amino acid conservation, physicochemical variation, residue mobility, and thermodynamic stability) performed at Invitae indicates that this missense variant is expected to disrupt PKHD1 protein function. In summary, the available evidence is currently insufficient to determine the role of this variant in disease. Therefore, it has been classified as a Variant of Uncertain Significance.

Eurofins Ntd Llc (ga)
Classification: Uncertain significance. Last evaluated: 2018-05-15. Review status: criteria provided, single submitter. Criteria: EGL ClinVar v180209 classification definitions. Collection method: clinical testing. Allele origin: germline. Observed: 2 variant alleles, 2 heterozygotes.

NM_138694.4(PKHD1):c.2788A>G (p.Thr930Ala)

Gene: PKHD1 (PKHD1 ciliary IPT domain containing fibrocystin/polyductin; minus strand). Cytogenetic location: 6p12.2.
Variant type: single nucleotide variant.
Coding change: c.2788A>G on transcript NM_138694.4 (MANE Select); coding-DNA position 2788, A replaced by G.
Protein change: p.Thr930Ala; replaces threonine 930 with alanine.
Molecular consequence: missense variant.
Genome position (GRCh38, 1-based): chr6:52,043,658, T>C on the plus strand (A>G on the coding strand, the complement: PKHD1 is on the minus strand). VCF-style: chr6-52043658-T-C. GRCh37 (hg19) VCF-style: chr6-51908456-T-C.
Other names: c.2788A>G, p.Thr930Ala (NM_170724.3); short protein forms T930A.
Identifiers: ClinVar variation 498399 (VCV000498399.6), dbSNP rs144387673, ClinGen allele CA3853119.